The following is an entry in ClinVar:

ClinVar aggregate classification (germline): Conflicting classifications of pathogenicity. Review status: criteria provided, conflicting classifications (1 of 4 stars). 5 submissions from 5 submitters: Likely pathogenic (1); Uncertain significance (4). Last evaluated 2026-08-06.

Conditions:
Developmental and epileptic encephalopathy, 1 (DEE1). Also called: Epileptic encephalopathy, early infantile, 1; X-Linked Infantile Spasm Syndrome; X-linked infantile spasms; West's syndrome; Tonic spasms with clustering, arrest of psychomotor development and hypsarrhythmia on EEG; OHTAHARA SYNDROME, X-LINKED. Identifiers: MedGen C3463992, MONDO:0010632, OMIM 308350. Disease mechanism: loss of function.
Autosomal recessive spinocerebellar ataxia 12. Also called: SPINOCEREBELLAR ATAXIA WITH MENTAL RETARDATION AND EPILEPSY. Identifiers: Orphanet 284282, MedGen C3280452, MONDO:0013687, OMIM 614322.
Developmental and epileptic encephalopathy, 28 (DEE28). Also called: Epileptic encephalopathy, early infantile, 28. Identifiers: Orphanet 442835, MedGen C4015519, MONDO:0014533, OMIM 616211.
Inborn genetic diseases. Identifiers: MedGen C0950123, MeSH D030342.

Allele frequency attached by ClinVar (database versions not stated): ExAC 0.00001; gnomAD 0.00002.
gnomAD v4.1: 20 of 1,614,038 alleles (0.0012%); highest among the groups gnomAD compares: African/African-American, 0.004%; no homozygotes.

Submissions (5):

OLLIN Analises Genomicas, OLLIN
Classification: Uncertain significance for Autosomal recessive spinocerebellar ataxia 12. Last evaluated: 2026-08-06. Review status: criteria provided, single submitter. Criteria: ACMG Guidelines 2015 PMID 25741868. Collection method: clinical testing. Allele origin: germline. Inheritance: Autosomal recessive inheritance.
Comment: This missense variant, located in exon 7 (of 9), has been reported in ClinVar (accession VCV000948143.9) and in gnomAD with an allele frequency of 0.0012%. However, to our knowledge, it has not been reported in the scientific literature. In silico analysis predicts that this variant has a deleterious effect. According to the currently available evidence, this variant has been classified as uncertain significance (PM2_P, PP3).

Ambry Genetics
Classification: Uncertain significance for Inborn genetic diseases. Last evaluated: 2025-03-21. Review status: criteria provided, single submitter. Criteria: Ambry Variant Classification Scheme 2023. Collection method: clinical testing. Allele origin: germline.

GeneDx
Classification: Likely pathogenic. Last evaluated: 2024-12-17. Review status: criteria provided, single submitter. Criteria: GeneDx Variant Classification Process June 2021. Collection method: clinical testing. Allele origin: germline. Affected: yes.
Comment: Not observed at significant frequency in large population cohorts (gnomAD); In silico analysis supports that this missense variant has a deleterious effect on protein structure/function; Has not been previously published as pathogenic or benign to our knowledge; This variant is associated with the following publications: (PMID: 25411445)

Kids Research, The Children's Hospital at Westmead
Classification: Uncertain significance for Developmental and epileptic encephalopathy, 28. Last evaluated: 2024-09-20. Review status: criteria provided, single submitter. Criteria: ACMG Guidelines, 2015. Collection method: research. Allele origin: germline. Affected: yes.
Comment: PM2, PP3

Labcorp Genetics (formerly Invitae), Labcorp
Classification: Uncertain significance for Developmental and epileptic encephalopathy, 1; Autosomal recessive spinocerebellar ataxia 12. Last evaluated: 2022-07-06. Review status: criteria provided, single submitter. Criteria: Invitae Variant Classification Sherloc (09022015). Collection method: clinical testing. Allele origin: germline.
Comment: This sequence change replaces histidine, which is basic and polar, with asparagine, which is neutral and polar, at codon 233 of the WWOX protein (p.His233Asn). This variant is present in population databases (rs757863128, gnomAD 0.007%). This variant has not been reported in the literature in individuals affected with WWOX-related conditions. ClinVar contains an entry for this variant (Variation ID: 948143). Algorithms developed to predict the effect of missense changes on protein structure and function are either unavailable or do not agree on the potential impact of this missense change (SIFT: "Not Available"; PolyPhen-2: "Probably Damaging"; Align-GVGD: "Not Available"). In summary, the available evidence is currently insufficient to determine the role of this variant in disease. Therefore, it has been classified as a Variant of Uncertain Significance.

NM_016373.4(WWOX):c.697C>A (p.His233Asn)

Gene: WWOX (WW domain containing oxidoreductase; plus strand). Cytogenetic location: 16q23.1.
Variant type: single nucleotide variant.
Coding change: c.697C>A on transcript NM_016373.4 (MANE Select); coding-DNA position 697, C replaced by A.
Protein change: p.His233Asn; replaces histidine 233 with asparagine.
Molecular consequence: missense variant.
Genome position (GRCh38, 1-based): chr16:78,424,961, C>A. VCF-style: chr16-78424961-C-A. GRCh37 (hg19) VCF-style: chr16-78458858-C-A.
Other names: c.358C>A, p.His120Asn (NM_001291997.2); short protein forms H120N, H233N.
Identifiers: ClinVar variation 948143 (VCV000948143.10), dbSNP rs757863128, ClinGen allele CA8183419.
Genomic context (GRCh38, chr16:78,424,961, plus strand): 5'-ACTTTTGCTCTACCCTGGAGTCTCACCAAAGATGGCCTGGAGACCACCTTTCAAGTGAAT[C>A]ATCTGGGGCACTTCTACCTTGTCCAGCTCCTCCAGGATGTTTTGTGCCGCTCAGCTCCTG-3'
Protein context (NP_057457.1, residues 223-243): DGLETTFQVN[His233Asn]LGHFYLVQLL